The following is an entry in ClinVar:

ClinVar aggregate classification (germline): Pathogenic (1 of 4 stars; one submission).

Submission:

Ambry Genetics
Classification: Pathogenic. Last evaluated: 2025-07-24. Review status: criteria provided, single submitter. Criteria: Ambry Variant Classification Scheme 2023. Collection method: clinical testing. Allele origin: germline.
Comment: The c.2256dupC (p.A753Rfs*68) alteration, located in exon 19 (coding exon 19) of the GIGYF1 gene, consists of a duplication of C at position 2256, causing a translational frameshift with a predicted alternate stop codon after 68 amino acids. This alteration is expected to result in loss of function by premature protein truncation or nonsense-mediated mRNA decay. The Genome Aggregation Database (gnomAD) data for this variant is unreliable due to technical and/or biological issues, therefore population frequency estimates were not considered. This variant was reported in individual(s) with features consistent with GIGYF1-related neurodevelopmental disorder (Chen, 2022). Based on the available evidence, this alteration is classified as pathogenic.

Literature cited by the submitters: PubMed 35917186.

NM_022574.4:c.2256dupC

Gene: GIGYF1 (GRB10 interacting GYF protein 1; minus strand).
Variant type: Duplication.
Identifiers: ClinVar variation 4263661 (VCV004263661.1).